The following is an entry in ClinVar:

NM_004465.2(FGF10):c.426C>T (p.Gly142=)

Gene: FGF10 (fibroblast growth factor 10; minus strand). Cytogenetic location: 5p12.
Variant type: single nucleotide variant.
Coding change: c.426C>T on transcript NM_004465.2 (MANE Select); coding-DNA position 426, C replaced by T.
Protein change: p.Gly142=; no amino-acid change (glycine 142 retained).
Molecular consequence: synonymous variant.
Genome position (GRCh38, 1-based): chr5:44,310,430, G>A on the plus strand (C>T on the coding strand, the complement: FGF10 is on the minus strand). VCF-style: chr5-44310430-G-A. GRCh37 (hg19) VCF-style: chr5-44310532-G-A.
Identifiers: ClinVar variation 353724 (VCV000353724.5), dbSNP rs149851674, ClinGen allele CA3258512.
Genomic context (GRCh38, chr5:44,310,430, plus strand): 5'-CAAAACTATGGTAATGGTTTACTGGAGTGGATTTGAAAACAAAAGCAGAATACTTACTGA[G>A]CCATAGAGTTTCCCCTTCTTGTTCATGGCTAAGTAATAGTTGCTGTTAATGGCTTTGACG-3'
Protein context (NP_004456.1, residues 132-152): LAMNKKGKLY[Gly142=]SKEFNNDCKL

ClinVar aggregate classification (germline): Likely benign (1 of 4 stars; one submission).

Conditions:
Congenital absence of salivary gland (ALSG). Also called: Aplasia of lacrimal and salivary glands; Salivary glands, absence of. Identifiers: Orphanet 86815, MedGen C0158667, MONDO:0008397, OMIM 180920.

Allele frequency attached by ClinVar (database versions not stated): ExAC 0.00004; gnomAD 0.00005; gnomAD exomes 0.00005 and 0.00013; TOPMed 0.00006; ESP Exome Variant Server 0.00015.
gnomAD v4.1: 196 of 1,603,196 alleles (0.012%); highest among the groups gnomAD compares: Non-Finnish European, 0.016%; no homozygotes.

Submission:

Illumina Laboratory Services, Illumina
Classification: Likely benign for Congenital absence of salivary gland. Last evaluated: 2018-01-13. Review status: criteria provided, single submitter. Criteria: ICSL Variant Classification Criteria 13 December 2019. Collection method: clinical testing. Allele origin: germline.
Comment: This variant was observed in the ICSL laboratory as part of a predisposition screen in an ostensibly healthy population. It had not been previously curated by ICSL or reported in the Human Gene Mutation Database (HGMD: prior to June 1st, 2018), and was therefore a candidate for classification through an automated scoring system. Utilizing variant allele frequency, disease prevalence and penetrance estimates, and inheritance mode, an automated score was calculated to assess if this variant is too frequent to cause the disease. Based on the score and internal cut-off values, a variant classified as likely benign is not then subjected to further curation. The score for this variant resulted in a classification of likely benign for this disease.